The following is an entry in ClinVar:

ClinVar aggregate classification (germline): Uncertain significance. Review status: criteria provided, multiple submitters, no conflicts (2 of 4 stars). 2 submissions from 2 submitters: Uncertain significance (2). Last evaluated 2026-09-10.

Conditions:
PLEC-related disorder. Also called: PLEC-related condition; PLEC-related disorders.
Epidermolysis bullosa simplex, Ogna type (EBS5A). Also called: Pidermolysis bullosa simplex 5A, Ogna type; EPIDERMOLYSIS BULLOSA SIMPLEX 5A, OGNA TYPE. Identifiers: Orphanet 79401, MedGen C0432317, MONDO:0007555, OMIM 131950.
Autosomal recessive limb-girdle muscular dystrophy type 2Q (LGMDR17). Also called: MUSCULAR DYSTROPHY, LIMB-GIRDLE, AUTOSOMAL RECESSIVE 17. Identifiers: Orphanet 254361, MedGen C3150989, MONDO:0013390, OMIM 613723.
Epidermolysis bullosa simplex with nail dystrophy (EBS5D). Identifiers: MedGen C4225309, MONDO:0014661, OMIM 616487.
Epidermolysis bullosa simplex 5C, with pyloric atresia (EBS5C). Also called: PLEC-Related Epidermolysis Bullosa with Pyloric Atresia; Epidermolysis bullosa simplex with pyloric atresia; PLEC1-Related Epidermolysis Bullosa with Pyloric Atresia. Identifiers: Orphanet 158684, MedGen C2677349, MONDO:0012807, OMIM 612138.
Epidermolysis bullosa simplex 5B, with muscular dystrophy (EBS5B). Also called: Epidermolysis bullosa simplex with muscular dystrophy; EPIDERMOLYSIS BULLOSA SIMPLEX AND LIMB-GIRDLE MUSCULAR DYSTROPHY. Identifiers: Orphanet 257, MedGen C2931072, MONDO:0009181, OMIM 226670.

Allele frequency attached by ClinVar (database versions not stated): gnomAD 0.00001; gnomAD exomes 0.00001; TOPMed 0.00003.
gnomAD v4.1: 16 of 1,595,946 alleles (0.001%); highest among the groups gnomAD compares: African/African-American, 0.0027%; no homozygotes.

Submissions (2):

PreventionGenetics, part of Exact Sciences
Classification: Uncertain significance for PLEC-related condition. Last evaluated: 2026-09-10. Review status: criteria provided, single submitter. Criteria: ACMG Guidelines, 2015. Collection method: clinical testing. Allele origin: germline.
Comment: The PLEC c.5735C>T variant is predicted to result in the amino acid substitution p.Ala1912Val. To our knowledge, this variant has not been reported in the literature. This variant is reported in 0.0066% of alleles in individuals of European (Finnish) descent in gnomAD. At this time, the clinical significance of this variant is uncertain due to the absence of conclusive functional and genetic evidence.

Labcorp Genetics (formerly Invitae), Labcorp
Classification: Uncertain significance for Autosomal recessive limb-girdle muscular dystrophy type 2Q; Epidermolysis bullosa simplex, Ogna type; Epidermolysis bullosa simplex with nail dystrophy; Epidermolysis bullosa simplex 5C, with pyloric atresia; Epidermolysis bullosa simplex 5B, with muscular dystrophy. Last evaluated: 2025-08-12. Review status: criteria provided, single submitter. Criteria: Invitae Variant Classification Sherloc (09022015). Collection method: clinical testing. Allele origin: germline.
Comment: This sequence change replaces alanine, which is neutral and non-polar, with valine, which is neutral and non-polar, at codon 1912 of the PLEC protein (p.Ala1912Val). This variant is present in population databases (no rsID available, gnomAD 0.006%). This variant has not been reported in the literature in individuals affected with PLEC-related conditions. ClinVar contains an entry for this variant (Variation ID: 2928207). Experimental studies and prediction algorithms are not available or were not evaluated, and the functional significance of this variant is currently unknown. In summary, the available evidence is currently insufficient to determine the role of this variant in disease. Therefore, it has been classified as a Variant of Uncertain Significance.

NM_201384.3(PLEC):c.5654C>T (p.Ala1885Val)

Gene: PLEC (plectin; minus strand). Cytogenetic location: 8q24.3.
Variant type: single nucleotide variant.
Coding change: c.5654C>T on transcript NM_201384.3 (MANE Select); coding-DNA position 5654, C replaced by T.
Protein change: p.Ala1885Val; replaces alanine 1885 with valine.
Molecular consequence: missense variant. On other transcripts: intron variant (1).
Genome position (GRCh38, 1-based): chr8:143,924,275, G>A on the plus strand (C>T on the coding strand, the complement: PLEC is on the minus strand). VCF-style: chr8-143924275-G-A. GRCh37 (hg19) VCF-style: chr8-144998443-G-A.
Other names: c.5735C>T (NM_000445.4); c.5735C>T, p.Ala1912Val (NM_000445.5); c.5612C>T, p.Ala1871Val (NM_201378.4); c.5588C>T, p.Ala1863Val (NM_201379.3); c.6065C>T, p.Ala2022Val (NM_201380.4); c.5558C>T, p.Ala1853Val (NM_201381.3); c.5654C>T, p.Ala1885Val (NM_201382.4); c.5666C>T, p.Ala1889Val (NM_201383.3); and 1 more; short protein forms A1853V, A1885V, A1912V, A1871V, A2022V, A1863V, A1889V.
Identifiers: ClinVar variation 2928207 (VCV002928207.4), dbSNP rs1316343146, ClinGen allele CA372542839.
Genomic context (GRCh38, chr8:143,924,275, plus strand): 5'-TCGCTGTCCGATGCCTTGCGCAGCTGGGCCAGGCGCTCCTCGATGTCAGCCTTGTGTTGC[G>A]CGGCCTGCTCCTCCAGCCGCCGCCGCTGGAAGGCCTCGTCCTCCGCCAGCCGCCGCAGGC-3'
Protein context (NP_958786.1, residues 1875-1895): FQRRRLEEQA[Ala1885Val]QHKADIEERL